The following is an entry in ClinVar:

NM_004360.5(CDH1):c.2282G>C (p.Gly761Ala)

Gene: CDH1 (cadherin 1; plus strand). Cytogenetic location: 16q22.1.
Variant type: single nucleotide variant.
Coding change: c.2282G>C on transcript NM_004360.5 (MANE Select); coding-DNA position 2282, G replaced by C.
Protein change: p.Gly761Ala; replaces glycine 761 with alanine.
Molecular consequence: missense variant.
Genome position (GRCh38, 1-based): chr16:68,828,291, G>C. VCF-style: chr16-68828291-G-C. GRCh37 (hg19) VCF-style: chr16-68862194-G-C.
Other names: c.2282G>C (LRG_301t1, NM_004360.4); c.2099G>C, p.Gly700Ala (NM_001317184.2); c.734G>C, p.Gly245Ala (NM_001317185.2); c.317G>C, p.Gly106Ala (NM_001317186.2); short protein forms G761A, G700A, G245A, G106A.
Identifiers: ClinVar variation 232273 (VCV000232273.16), dbSNP rs876659664, ClinGen allele CA10580154.

ClinVar aggregate classification (germline): Uncertain significance. Review status: criteria provided, multiple submitters, no conflicts (2 of 4 stars). 3 submissions from 3 submitters: Uncertain significance (3). Last evaluated 2026-01-04.

Conditions:
Hereditary cancer-predisposing syndrome. Also called: Hereditary Cancer Syndrome; Neoplastic Syndromes, Hereditary; Tumor predisposition; Hereditary neoplastic syndrome. Identifiers: Orphanet 140162, MedGen C0027672, MeSH D009386, MONDO:0015356.
Hereditary diffuse gastric adenocarcinoma (HDGC). Also called: DIFFUSE GASTRIC AND LOBULAR BREAST CANCER SYNDROME. Identifiers: Orphanet 26106, MedGen C1708349, MONDO:0007648, OMIM 137215.

Allele frequency attached by ClinVar (database versions not stated): gnomAD exomes below 0.00001; TOPMed below 0.00001; gnomAD 0.00001.
gnomAD v4.1: 4 of 1,614,004 alleles (0.00025%); highest among the groups gnomAD compares: Middle Eastern, 0.066%; no homozygotes.

Submissions (3):

Labcorp Genetics (formerly Invitae), Labcorp
Classification: Uncertain significance for Hereditary diffuse gastric adenocarcinoma. Last evaluated: 2026-01-04. Review status: criteria provided, single submitter. Criteria: Invitae Variant Classification Sherloc (09022015). Collection method: clinical testing. Allele origin: germline.
Comment: This sequence change replaces glycine, which is neutral and non-polar, with alanine, which is neutral and non-polar, at codon 761 of the CDH1 protein (p.Gly761Ala). This variant is not present in population databases (gnomAD no frequency). This variant has not been reported in the literature in individuals affected with CDH1-related conditions. ClinVar contains an entry for this variant (Variation ID: 232273). An algorithm developed to predict the effect of missense changes on protein structure and function (PolyPhen-2) suggests that this variant is likely to be disruptive. In summary, the available evidence is currently insufficient to determine the role of this variant in disease. Therefore, it has been classified as a Variant of Uncertain Significance.

KCCC/NGS Laboratory, Kuwait Cancer Control Center
Classification: Uncertain significance for Hereditary diffuse gastric adenocarcinoma. Last evaluated: 2025-08-04. Review status: criteria provided, single submitter. Criteria: ACMG Guidelines, 2015. Collection method: clinical testing. Allele origin: germline. Inheritance: Autosomal dominant inheritance. Affected: yes. Observed: 1 heterozygote.
Comment: This sequence change replaces glycine, which is neutral and non-polar, with alanine, which is neutral and non-polar, at codon 761 of the CDH1 protein (p.Gly761Ala).

Ambry Genetics
Classification: Uncertain significance for Hereditary cancer-predisposing syndrome. Last evaluated: 2025-04-21. Review status: criteria provided, single submitter. Criteria: Ambry Variant Classification Scheme 2023. Collection method: clinical testing. Allele origin: germline.
Comment: The p.G761A variant (also known as c.2282G>C), located in coding exon 14 of the CDH1 gene, results from a G to C substitution at nucleotide position 2282. The glycine at codon 761 is replaced by alanine, an amino acid with similar properties. This amino acid position is highly conserved in available vertebrate species. In addition, this alteration is predicted to be deleterious by in silico analysis. Based on the available evidence, the clinical significance of this variant remains unclear.